The following is an entry in ClinVar:

NM_007194.4(CHEK2):c.319+3966G>A

Gene: CHEK2 (checkpoint kinase 2; minus strand). Cytogenetic location: 22q12.1.
Variant type: single nucleotide variant.
Coding change: c.319+3966G>A on transcript NM_007194.4 (MANE Select); 3966 bases into the intron after coding-DNA position 319, G replaced by A.
Molecular consequence: intron variant. On other transcripts: missense variant (2).
Genome position (GRCh38, 1-based): chr22:28,730,437, C>T on the plus strand (G>A on the coding strand, the complement: CHEK2 is on the minus strand). VCF-style: chr22-28730437-C-T. GRCh37 (hg19) VCF-style: chr22-29126425-C-T.
Other names: c.431G>A, p.Arg144Gln (NM_001005735.3, NM_001438294.1); c.-344-5070G>A (NM_001437942.1); c.319+3966G>A (NM_001349956.3, NM_145862.3); c.-459+3966G>A (NM_001257387.3); c.412+19G>A (NM_001438295.1, NM_001438293.1); short protein forms R144Q.
Identifiers: ClinVar variation 584993 (VCV000584993.48), dbSNP rs137926355, ClinGen allele CA10168035.

ClinVar aggregate classification (germline): Conflicting classifications of pathogenicity. Review status: criteria provided, conflicting classifications (1 of 4 stars). 5 submissions from 5 submitters: Uncertain significance (1); Benign (1); Likely benign (2). 1 of the submissions does not count toward it. Last evaluated 2025-11-01.

Conditions:
Breast-ovarian cancer, familial, susceptibility to, 2 (BROVCA2). Also called: BRCA2 Hereditary Breast and Ovarian Cancer. Identifiers: Orphanet 145, MedGen C2675520, MONDO:0012933, OMIM 612555. Disease mechanism: loss of function.
CHEK2-related disorder.
Familial cancer of breast. Also called: BREAST CANCER, FAMILIAL; hereditary breast carcinoma; Hereditary breast cancer. Identifiers: Orphanet 227535, MedGen C0346153, MONDO:0016419, OMIM 114480. Disease mechanism: loss of function.

Allele frequency attached by ClinVar (database versions not stated): ExAC 0.00010; gnomAD exomes 0.00021; TOPMed 0.00028; gnomAD 0.00038 and 0.00040.
gnomAD v4.1: 113 of 683,684 alleles (0.017%); highest among the groups gnomAD compares: Admixed American, 0.17%; 1 homozygote.

Submissions (5):

CeGaT Center for Human Genetics Tuebingen
Classification: Likely benign. Last evaluated: 2025-11-01. Review status: criteria provided, single submitter. Criteria: CeGaT Center For Human Genetics Tuebingen Variant Classification Criteria Version 2. Collection method: clinical testing. Allele origin: germline. Affected: yes. Observed: 4 variant alleles.
Comment: CHEK2: BP4, BS1

Dipartimento Di Medicina Di Precisione, Università Degli Studi Della Campania Luigi Vanvitelli
Classification: Benign for Breast-ovarian cancer, familial, susceptibility to, 2. Last evaluated: 2025-07-14. Review status: criteria provided, single submitter. Criteria: ACMG Guidelines, 2015. Collection method: clinical testing. Allele origin: germline. Affected: yes. Observed: 1 heterozygote.
Comment: the variant c.319+3966G>A is located in intron 3 of the CHEK2 gene, at a significant distance (>3900 nucleotides) from the exon-intron boundary. Given its deep intronic position, an effect on splicing is considered unlikely without additional functional evidence.

Blueprint Genetics
Classification: Likely benign. Last evaluated: 2024-10-07. Review status: criteria provided, single submitter. Criteria: ACMG Guidelines, 2015. Collection method: clinical testing. Allele origin: germline.

Mendelics
Classification: Uncertain significance for Familial cancer of breast. Last evaluated: 2018-07-02. Review status: criteria provided, single submitter. Criteria: Mendelics Assertion Criteria 2017. Collection method: clinical testing. Allele origin: unknown.

PreventionGenetics, part of Exact Sciences
Classification: Likely benign for CHEK2-related condition. Last evaluated: 2022-09-20. Review status: no assertion criteria provided. Collection method: clinical testing. Allele origin: germline. Not counted in ClinVar's aggregate classification.
Comment: This variant is classified as likely benign based on ACMG/AMP sequence variant interpretation guidelines (Richards et al. 2015 PMID: 25741868, with internal and published modifications).

Literature cited by the submitters: DOI 10.3390/ijms26135928 (cited by Dipartimento Di Medicina Di Precisione, Università Degli Studi Della Campania Luigi Vanvitelli).